The following is an entry in ClinVar:

ClinVar aggregate classification (germline): Pathogenic (1 of 4 stars; one submission).

Submission:

Athena Diagnostics
Classification: Pathogenic. Last evaluated: 2021-04-12. Review status: criteria provided, single submitter. Criteria: Athena Diagnostics criteria. Collection method: clinical testing. Allele origin: unknown.
Comment: This variant has not been reported in large, multi-ethnic general populations. This variant has been identified in at least one individual with clinical features associated with this gene. This variant alters a critical location within the protein, and is expected to severely affect function and cause disease. Greater than 90% of NOTCH3 pathogenic mutations associated with CADASIL involve the gain or loss of a cysteine residue within the epidermal growth factor (EGF)-like repeat domain (PMID: 32457593, 20301673).

Literature cited by the submitters: PubMed 24139282; PubMed 26002683.

NM_000435.3(NOTCH3):c.1241C>G (p.Ser414Cys)

Gene: NOTCH3 (notch receptor 3; minus strand). Cytogenetic location: 19p13.12.
Variant type: single nucleotide variant.
Coding change: c.1241C>G on transcript NM_000435.3 (MANE Select); coding-DNA position 1241, C replaced by G.
Protein change: p.Ser414Cys; replaces serine 414 with cysteine.
Molecular consequence: missense variant.
Genome position (GRCh38, 1-based): chr19:15,189,126, G>C on the plus strand (C>G on the coding strand, the complement: NOTCH3 is on the minus strand). VCF-style: chr19-15189126-G-C. GRCh37 (hg19) VCF-style: chr19-15299937-G-C.
Other names: short protein forms S414C.
Identifiers: ClinVar variation 1256484 (VCV001256484.1), dbSNP rs2145436403, ClinGen allele CA404528274.